The following is an entry in ClinVar:

ClinVar aggregate classification (germline): Uncertain significance (1 of 4 stars; one submission).

Conditions:
Familial sleep-related hypermotor epilepsy. Also called: Autosomal Dominant Sleep-Related Hypermotor (Hyperkinetic) Epilepsy. Identifiers: Orphanet 98784, MedGen C3696898, MONDO:0000030.

Submission:

Labcorp Genetics (formerly Invitae), Labcorp
Classification: Uncertain significance. Last evaluated: 2024-04-10. Review status: criteria provided, single submitter. Criteria: Invitae Variant Classification Sherloc (09022015). Collection method: clinical testing. Allele origin: germline.
Comment: This sequence change replaces serine, which is neutral and polar, with cysteine, which is neutral and slightly polar, at codon 280 of the CHRNA4 protein (p.Ser280Cys). This variant is not present in population databases (gnomAD no frequency). This variant has not been reported in the literature in individuals affected with CHRNA4-related conditions. ClinVar contains an entry for this variant (Variation ID: 577766). Advanced modeling of protein sequence and biophysical properties (such as structural, functional, and spatial information, amino acid conservation, physicochemical variation, residue mobility, and thermodynamic stability) performed at Invitae indicates that this missense variant is expected to disrupt CHRNA4 protein function with a positive predictive value of 80%. This variant disrupts the p.Ser280 amino acid residue in CHRNA4. Other variant(s) that disrupt this residue have been determined to be pathogenic (PMID: 7550350, 22036597). This suggests that this residue is clinically significant, and that variants that disrupt this residue are likely to be disease-causing. In summary, the available evidence is currently insufficient to determine the role of this variant in disease. Therefore, it has been classified as a Variant of Uncertain Significance.

Literature cited by the submitters: PubMed 7550350; PubMed 22036597.

NM_000744.7(CHRNA4):c.839C>G (p.Ser280Cys)

Gene: CHRNA4 (cholinergic receptor nicotinic alpha 4 subunit; minus strand). Cytogenetic location: 20q13.33.
Variant type: single nucleotide variant.
Coding change: c.839C>G on transcript NM_000744.7 (MANE Select); coding-DNA position 839, C replaced by G.
Protein change: p.Ser280Cys; replaces serine 280 with cysteine.
Molecular consequence: missense variant. On other transcripts: non-coding transcript variant (1).
Genome position (GRCh38, 1-based): chr20:63,350,572, G>C on the plus strand (C>G on the coding strand, the complement: CHRNA4 is on the minus strand). VCF-style: chr20-63350572-G-C. GRCh37 (hg19) VCF-style: chr20-61981924-G-C.
Other names: c.311C>G, p.Ser104Cys (NM_001256573.2); short protein forms S280C, S104C.
Identifiers: ClinVar variation 577766 (VCV000577766.9), dbSNP rs121909580, ClinGen allele CA409636530.
Genomic context (GRCh38, chr20:63,350,572, plus strand): 5'-GAGGTGGACGGGATGATCTCGGTGATGAGCAGCAGGAAGACGGTGAGCGACAGCAGCACG[G>C]AGATGCACAGCGTGATCTTCTCGCCACACTCGGAGGGCAGGTAGAAGACCAGCACGGTGA-3'
Protein context (NP_000735.1, residues 270-290): ECGEKITLCI[Ser280Cys]VLLSLTVFLL